The following is an entry in ClinVar:

ClinVar aggregate classification (germline): Pathogenic (1 of 4 stars; one submission).

Submission:

Labcorp Genetics (formerly Invitae), Labcorp
Classification: Pathogenic. Last evaluated: 2020-09-10. Review status: criteria provided, single submitter. Criteria: Invitae Variant Classification Sherloc (09022015). Collection method: clinical testing. Allele origin: germline.
Comment: This sequence change replaces histidine with glutamine at codon 1730 of the NSD1 protein (p.His1730Gln). The histidine residue is moderately conserved and there is a small physicochemical difference between histidine and glutamine. This variant is not present in population databases (ExAC no frequency). This variant has been observed in individual(s) with clinical features of Sotos syndrome (Invitae). In at least one individual the variant was observed to be de novo. Advanced modeling of protein sequence and biophysical properties (such as structural, functional, and spatial information, amino acid conservation, physicochemical variation, residue mobility, and thermodynamic stability) performed at Invitae indicates that this missense variant is expected to disrupt NSD1 protein function. Algorithms developed to predict the effect of sequence changes on RNA splicing suggest that this variant may create or strengthen a splice site, but this prediction has not been confirmed by published transcriptional studies. For these reasons, this variant has been classified as Pathogenic.

NM_022455.5(NSD1):c.5190T>G (p.His1730Gln)

Gene: NSD1 (nuclear receptor binding SET domain protein 1; plus strand). Cytogenetic location: 5q35.3.
Variant type: single nucleotide variant.
Coding change: c.5190T>G on transcript NM_022455.5 (MANE Select); coding-DNA position 5190, T replaced by G.
Protein change: p.His1730Gln; replaces histidine 1730 with glutamine.
Molecular consequence: missense variant.
Genome position (GRCh38, 1-based): chr5:177,267,605, T>G. VCF-style: chr5-177267605-T-G. GRCh37 (hg19) VCF-style: chr5-176694606-T-G.
Other names: c.4317T>G, p.His1439Gln (NM_001365684.2, NM_001409308.1, NM_001409309.1 and 1 more transcripts); c.5190T>G, p.His1730Gln (NM_001409301.1, NM_001409302.1, NM_001409303.1); c.4770T>G, p.His1590Gln (NM_001409304.1); c.4437T>G, p.His1479Gln (NM_001409305.1); c.4428T>G, p.His1476Gln (NM_001409306.1, NM_001409307.1); short protein forms H1461Q, H1730Q, H1476Q, H1590Q, H1439Q, H1479Q.
Identifiers: ClinVar variation 1074877 (VCV001074877.9), dbSNP rs2149931088, ClinGen allele CA362305654.